The following is an entry in ClinVar:

ClinVar aggregate classification (germline): Benign (1 of 4 stars; one submission).

Allele frequency attached by ClinVar (database versions not stated): gnomAD 0.15288 and 0.15956; TOPMed 0.16533; 1000 Genomes Project 30x 0.24157; 1000 Genomes Project 0.24940.
gnomAD v4.1: 24,256 of 152,152 alleles (16%); highest among the groups gnomAD compares: East Asian, 47%; 2,326 homozygotes.

Submission:

GeneDx
Classification: Benign. Last evaluated: 2018-06-14. Review status: criteria provided, single submitter. Criteria: GeneDx Variant Classification (06012015). Collection method: clinical testing. Allele origin: germline. Affected: yes.
Comment: This variant is considered likely benign or benign based on one or more of the following criteria: it is a conservative change, it occurs at a poorly conserved position in the protein, it is predicted to be benign by multiple in silico algorithms, and/or has population frequency not consistent with disease.

NM_001278716.2(FBXL4):c.1389+222T>C

Gene: FBXL4 (F-box and leucine rich repeat protein 4; minus strand). Cytogenetic location: 6q16.1.
Variant type: single nucleotide variant.
Coding change: c.1389+222T>C on transcript NM_001278716.2 (MANE Select); 222 bases into the intron after coding-DNA position 1389, T replaced by C.
Molecular consequence: intron variant.
Genome position (GRCh38, 1-based): chr6:98,880,331, A>G on the plus strand (T>C on the coding strand, the complement: FBXL4 is on the minus strand). VCF-style: chr6-98880331-A-G. GRCh37 (hg19) VCF-style: chr6-99328207-A-G.
Other names: c.1389+222T>C (NM_012160.5).
Identifiers: ClinVar variation 680586 (VCV000680586.1), dbSNP rs2281123, ClinGen allele CA12374544.